The following is an entry in ClinVar:

ClinVar aggregate classification (germline): Uncertain significance. Review status: criteria provided, multiple submitters, no conflicts (2 of 4 stars). 2 submissions from 2 submitters: Uncertain significance (2). Last evaluated 2022-03-18.

Conditions:
Long QT syndrome (LQTS). Identifiers: MedGen C0023976, MeSH D008133, MONDO:0002442. Disease mechanism: loss of function. Inheritance: Various modes of inheritance.

Submissions (2):

Labcorp Genetics (formerly Invitae), Labcorp
Classification: Uncertain significance for Long QT syndrome. Last evaluated: 2022-03-18. Review status: criteria provided, single submitter. Criteria: Invitae Variant Classification Sherloc (09022015). Collection method: clinical testing. Allele origin: germline.
Comment: This sequence change replaces serine, which is neutral and polar, with arginine, which is basic and polar, at codon 95 of the KCNQ1 protein (p.Ser95Arg). This variant is not present in population databases (gnomAD no frequency). This variant has not been reported in the literature in individuals affected with KCNQ1-related conditions. ClinVar contains an entry for this variant (Variation ID: 666842). Algorithms developed to predict the effect of missense changes on protein structure and function are either unavailable or do not agree on the potential impact of this missense change (SIFT: "Deleterious"; PolyPhen-2: "Benign"; Align-GVGD: "Class C0"). In summary, the available evidence is currently insufficient to determine the role of this variant in disease. Therefore, it has been classified as a Variant of Uncertain Significance.

Laboratory for Molecular Medicine, Mass General Brigham Personalized Medicine
Classification: Uncertain significance. Last evaluated: 2018-07-03. Review status: criteria provided, single submitter. Criteria: LMM Criteria. Collection method: clinical testing. Allele origin: germline. Observed: 1 variant allele.
Comment: The p.Ser95Arg variant in KCNQ1 has not been previously reported in individuals with hearing loss, Jervell and Lange-Nielsen syndrome, or long QT syndrome, and was absent from large population studies. Computational prediction tools and con servation analyses do not provide strong support for or against an impact to the protein. In summary, the clinical significance of the p.Ser95Arg variant is un certain. ACMG/AMP Criteria applied: PM2.

NM_000218.3(KCNQ1):c.285C>A (p.Ser95Arg)

Gene: KCNQ1 (potassium voltage-gated channel subfamily Q member 1; plus strand). Cytogenetic location: 11p15.5.
Variant type: single nucleotide variant.
Coding change: c.285C>A on transcript NM_000218.3 (MANE Select); coding-DNA position 285, C replaced by A.
Protein change: p.Ser95Arg; replaces serine 95 with arginine.
Molecular consequence: missense variant.
Genome position (GRCh38, 1-based): chr11:2,445,383, C>A. VCF-style: chr11-2445383-C-A. GRCh37 (hg19) VCF-style: chr11-2466613-C-A.
Other names: short protein forms S95R.
Identifiers: ClinVar variation 666842 (VCV000666842.9), dbSNP rs1589884451, ClinGen allele CA379117244.